The following is an entry in ClinVar:

NM_000326.5(RLBP1):c.525+5G>C

Gene: RLBP1 (retinaldehyde binding protein 1; minus strand). Cytogenetic location: 15q26.1.
Variant type: single nucleotide variant.
Coding change: c.525+5G>C on transcript NM_000326.5 (MANE Select); 5 bases into the intron after coding-DNA position 525, G replaced by C.
Molecular consequence: intron variant.
Genome position (GRCh38, 1-based): chr15:89,215,055, C>G on the plus strand (G>C on the coding strand, the complement: RLBP1 is on the minus strand). VCF-style: chr15-89215055-C-G. GRCh37 (hg19) VCF-style: chr15-89758286-C-G.
Identifiers: ClinVar variation 1018404 (VCV001018404.4), dbSNP rs2051567700, ClinGen allele CA2194514855.

ClinVar aggregate classification (germline): Uncertain significance (1 of 4 stars; one submission).

Submission:

Labcorp Genetics (formerly Invitae), Labcorp
Classification: Uncertain significance. Last evaluated: 2020-03-05. Review status: criteria provided, single submitter. Criteria: Invitae Variant Classification Sherloc (09022015). Collection method: clinical testing. Allele origin: germline.
Comment: This sequence change falls in intron 6 of the RLBP1 gene. It does not directly change the encoded amino acid sequence of the RLBP1 protein, but it affects a nucleotide within the consensus splice site of the intron. This variant is not present in population databases (ExAC no frequency). This variant has not been reported in the literature in individuals with RLBP1-related conditions. Nucleotide substitutions within the consensus splice site are a relatively common cause of aberrant splicing (PMID: 17576681, 9536098). Algorithms developed to predict the effect of sequence changes on RNA splicing suggest that this variant may disrupt the consensus splice site, but this prediction has not been confirmed by published transcriptional studies. In summary, the available evidence is currently insufficient to determine the role of this variant in disease. Therefore, it has been classified as a Variant of Uncertain Significance.

Literature cited by the submitters: PubMed 17576681; PubMed 9536098.